The following is an entry in ClinVar:

ClinVar aggregate classification (germline): Uncertain significance (1 of 4 stars; one submission).

gnomAD v4.1: 3 of 1,596,090 alleles (0.00019%); highest among the groups gnomAD compares: Admixed American, 0.0051%; no homozygotes.

Submission:

Labcorp Genetics (formerly Invitae), Labcorp
Classification: Uncertain significance. Last evaluated: 2025-07-20. Review status: criteria provided, single submitter. Criteria: Invitae Variant Classification Sherloc (09022015). Collection method: clinical testing. Allele origin: germline.
Comment: This sequence change affects codon 217 of the PPP2R1A mRNA. It is a 'silent' change, meaning that it does not change the encoded amino acid sequence of the PPP2R1A protein. This variant also falls at the last nucleotide of exon 5, which is part of the consensus splice site for this exon. This variant is present in population databases (no rsID available, gnomAD 0.003%). This variant has not been reported in the literature in individuals affected with PPP2R1A-related conditions. Variants that disrupt the consensus splice site are a relatively common cause of aberrant splicing (PMID: 17576681, 9536098). Algorithms developed to predict the effect of sequence changes on RNA splicing suggest that this variant is not likely to affect RNA splicing. In summary, the available evidence is currently insufficient to determine the role of this variant in disease. Therefore, it has been classified as a Variant of Uncertain Significance.

Literature cited by the submitters: PubMed 17576681; PubMed 9536098.

NM_014225.6(PPP2R1A):c.651G>A (p.Gln217=)

Gene: PPP2R1A (protein phosphatase 2 scaffold subunit Aalpha; plus strand). Cytogenetic location: 19q13.41.
Variant type: single nucleotide variant.
Coding change: c.651G>A on transcript NM_014225.6 (MANE Select); coding-DNA position 651, G replaced by A.
Protein change: p.Gln217=; no amino-acid change (glutamine 217 retained).
Molecular consequence: synonymous variant. On other transcripts: non-coding transcript variant (1).
Genome position (GRCh38, 1-based): chr19:52,212,833, G>A. VCF-style: chr19-52212833-G-A. GRCh37 (hg19) VCF-style: chr19-52716086-G-A.
Other names: c.114G>A, p.Gln38= (NM_001363656.2).
Identifiers: ClinVar variation 4811041 (VCV004811041.1).